The following is an entry in ClinVar:

NM_005591.4(MRE11):c.431T>C (p.Leu144Ser)

Gene: MRE11 (MRE11 double strand break repair nuclease; minus strand). Cytogenetic location: 11q21.
Variant type: single nucleotide variant.
Coding change: c.431T>C on transcript NM_005591.4 (MANE Select); coding-DNA position 431, T replaced by C.
Protein change: p.Leu144Ser; replaces leucine 144 with serine.
Molecular consequence: missense variant.
Genome position (GRCh38, 1-based): chr11:94,478,848, A>G on the plus strand (T>C on the coding strand, the complement: MRE11 is on the minus strand). VCF-style: chr11-94478848-A-G. GRCh37 (hg19) VCF-style: chr11-94212014-A-G.
Other names: c.431T>C, p.Leu144Ser (NM_001330347.2, NM_005590.4); short protein forms L144S.
Identifiers: ClinVar variation 233739 (VCV000233739.6), dbSNP rs876660609, ClinGen allele CA10579408.
Genomic context (GRCh38, chr11:94,478,848, plus strand): 5'-ATGTCTATCTTCTCCACAGACATTGAACGTCCAAAGTGATTTACAAATCCAGCACAACTT[A>G]AAATGTCCAAGGCACAAAGTGCATCTGCCTATGCAAAATAATTTCAAAGAATGTTAGTGT-3'
Protein context (NP_005582.1, residues 134-154): GADALCALDI[Leu144Ser]SCAGFVNHFG

ClinVar aggregate classification (germline): Uncertain significance. Review status: criteria provided, multiple submitters, no conflicts (2 of 4 stars). 2 submissions from 2 submitters: Uncertain significance (2). Last evaluated 2024-02-08.

Conditions:
Hereditary cancer-predisposing syndrome. Also called: Neoplastic Syndromes, Hereditary; Tumor predisposition; Hereditary Cancer Syndrome; Hereditary neoplastic syndrome. Identifiers: Orphanet 140162, MedGen C0027672, MeSH D009386, MONDO:0015356.

Submissions (2):

Quest Diagnostics Nichols Institute San Juan Capistrano
Classification: Uncertain significance. Last evaluated: 2024-02-08. Review status: criteria provided, single submitter. Criteria: Quest Diagnostics criteria. Collection method: clinical testing. Allele origin: unknown.

Ambry Genetics
Classification: Uncertain significance for Hereditary cancer-predisposing syndrome. Last evaluated: 2015-09-08. Review status: criteria provided, single submitter. Criteria: Ambry Variant Classification Scheme 2023. Collection method: clinical testing. Allele origin: germline.
Comment: The p.L144S variant (also known as c.431T>C), located in coding exon 5 of the MRE11A gene, results from a T to C substitution at nucleotide position 431. The leucine at codon 144 is replaced by serine, an amino acid with dissimilar properties. This variant was not reported in population based cohorts in the following databases: Database of Single Nucleotide Polymorphisms (dbSNP), NHLBI Exome Sequencing Project (ESP), and 1000 Genomes Project. In the ESP, this variant was not observed in 6499 samples (12998 alleles) with coverage at this position. To date, this alteration has been detected with an allele frequency of approximately 0.002% (greater than 65000 alleles tested) in our clinical cohort. This amino acid position is highly conserved in available vertebrate species. In addition, this alteration is predicted to be deleterious by in silico analysis. Since supporting evidence is limited at this time, the clinical significance of p.L144S remains unclear.